The following is an entry in ClinVar:

ClinVar aggregate classification (germline): Uncertain significance (1 of 4 stars; one submission).

Conditions:
CC2D2A-related disorder. Also called: CC2D2A-related condition; CC2D2A-related disorders. Identifiers: MedGen CN239313.

gnomAD v4.1: 19 of 1,536,942 alleles (0.0012%); highest among the groups gnomAD compares: Admixed American, 0.0039%; no homozygotes.

Submission:

PreventionGenetics, part of Exact Sciences
Classification: Uncertain significance for CC2D2A-related condition. Last evaluated: 2025-10-13. Review status: criteria provided, single submitter. Criteria: ACMG Guidelines, 2015. Collection method: clinical testing. Allele origin: germline.
Comment: The CC2D2A c.208G>A variant is predicted to result in the amino acid substitution p.Val70Met. To our knowledge, this variant has not been reported in the literature. This variant is reported in 0.0041% of alleles in individuals of Latino descent in gnomAD. At this time, the clinical significance of this variant is uncertain due to the absence of conclusive functional and genetic evidence.

NM_001378615.1(CC2D2A):c.123+501G>A

Genes: CC2D2A (coiled-coil and C2 domain containing 2A; plus strand), FBXL5 (F-box and leucine rich repeat protein 5; minus strand). Cytogenetic location: 4p15.32.
Variant type: single nucleotide variant.
Coding change: c.123+501G>A on transcript NM_001378615.1 (MANE Select); 501 bases into the intron after coding-DNA position 123, G replaced by A.
Molecular consequence: intron variant. On other transcripts: 5 prime UTR variant (1), missense variant (1).
Genome position (GRCh38, 1-based): chr4:15,479,307, G>A. VCF-style: chr4-15479307-G-A. GRCh37 (hg19) VCF-style: chr4-15480931-G-A.
Other names: c.-46G>A (NM_001378617.1); c.208G>A, p.Val70Met (NM_020785.2); c.123+501G>A (NM_001080522.2, NM_001164720.3); short protein forms V70M.
Identifiers: ClinVar variation 4986864 (VCV004986864.1).